The following is an entry in ClinVar:

NM_007167.4(ZMYM6):c.3318T>C (p.Asp1106=)

Gene: ZMYM6 (zinc finger MYM-type containing 6; minus strand). Cytogenetic location: 1p34.3.
Variant type: single nucleotide variant.
Coding change: c.3318T>C on transcript NM_007167.4 (MANE Select); coding-DNA position 3318, T replaced by C.
Protein change: p.Asp1106=; no amino-acid change (aspartic acid 1106 retained).
Molecular consequence: synonymous variant.
Genome position (GRCh38, 1-based): chr1:34,987,764, A>G on the plus strand (T>C on the coding strand, the complement: ZMYM6 is on the minus strand). VCF-style: chr1-34987764-A-G. GRCh37 (hg19) VCF-style: chr1-35453365-A-G.
Identifiers: ClinVar variation 3037478 (VCV003037478.2), dbSNP rs369530067, ClinGen allele CA756223.
Genomic context (GRCh38, chr1:34,987,764, plus strand): 5'-TAATTCATTTATAAGTGAAAATATATCTGATAAGTAGGCCAGCTTTCCAACCCATTCCTC[A>G]TCATGAAAATACTTGGCCAAATCTGAATGCTTTTGACTTAAAAATATTTCAATCTCATGT-3'
Protein context (NP_009098.3, residues 1096-1116): KHSDLAKYFH[Asp1106=]EEWVGKLAYL

ClinVar aggregate classification (germline): Likely benign (0 of 4 stars; one submission).

Conditions:
ZMYM6-related disorder. Also called: ZMYM6-related condition.

Allele frequency attached by ClinVar (database versions not stated): ExAC 0.00010; ESP Exome Variant Server 0.00011; gnomAD 0.00023; TOPMed 0.00037; 1000 Genomes Project 0.00040; 1000 Genomes Project 30x 0.00062.
gnomAD v4.1: 181 of 1,551,548 alleles (0.012%); highest among the groups gnomAD compares: Admixed American, 0.3%; 1 homozygote.

Submission:

PreventionGenetics, part of Exact Sciences
Classification: Likely benign for ZMYM6-related condition. Last evaluated: 2019-05-08. Review status: no assertion criteria provided. Collection method: clinical testing. Allele origin: germline.
Comment: This variant is classified as likely benign based on ACMG/AMP sequence variant interpretation guidelines (Richards et al. 2015 PMID: 25741868, with internal and published modifications).